The following is an entry in ClinVar:

NM_025114.4(CEP290):c.3013G>C (p.Glu1005Gln)

Gene: CEP290 (centrosomal protein 290; minus strand). Cytogenetic location: 12q21.32.
Variant type: single nucleotide variant.
Coding change: c.3013G>C on transcript NM_025114.4 (MANE Select); coding-DNA position 3013, G replaced by C.
Protein change: p.Glu1005Gln; replaces glutamic acid 1005 with glutamine.
Molecular consequence: missense variant.
Genome position (GRCh38, 1-based): chr12:88,096,978, C>G on the plus strand (G>C on the coding strand, the complement: CEP290 is on the minus strand). VCF-style: chr12-88096978-C-G. GRCh37 (hg19) VCF-style: chr12-88490755-C-G.
Other names: short protein forms E1005Q.
Identifiers: ClinVar variation 944732 (VCV000944732.6), dbSNP rs2037478393, ClinGen allele CA386007182.

ClinVar aggregate classification (germline): Uncertain significance (1 of 4 stars; one submission).

Conditions:
Meckel-Gruber syndrome. Also called: Dysencephalia splachnocystica; DYSENCEPHALIA SPLANCHNOCYSTICA; GRUBER SYNDROME. Identifiers: Orphanet 564, MedGen C0265215, MONDO:0018921.
Nephronophthisis. Also called: Juvenile Nephronophthisis. Identifiers: Orphanet 655, MedGen C0687120, MONDO:0019005, HP:0000090.
Joubert syndrome. Also called: Familial aplasia of the vermis; CEREBELLOPARENCHYMAL DISORDER IV; JOUBERT-BOLTSHAUSER SYNDROME. Identifiers: Orphanet 475, MedGen C5979921, MONDO:0018772.

Allele frequency attached by ClinVar (database versions not stated): TOPMed 0.00001.

Submission:

Labcorp Genetics (formerly Invitae), Labcorp
Classification: Uncertain significance for Joubert syndrome; Meckel-Gruber syndrome; Nephronophthisis. Last evaluated: 2022-04-08. Review status: criteria provided, single submitter. Criteria: Invitae Variant Classification Sherloc (09022015). Collection method: clinical testing. Allele origin: germline.
Comment: ClinVar contains an entry for this variant (Variation ID: 944732). This variant has not been reported in the literature in individuals affected with CEP290-related conditions. This variant is not present in population databases (gnomAD no frequency). This sequence change replaces glutamic acid, which is acidic and polar, with glutamine, which is neutral and polar, at codon 1005 of the CEP290 protein (p.Glu1005Gln). Algorithms developed to predict the effect of missense changes on protein structure and function are either unavailable or do not agree on the potential impact of this missense change (SIFT: "Tolerated"; PolyPhen-2: "Probably Damaging"; Align-GVGD: "Class C0"). In summary, the available evidence is currently insufficient to determine the role of this variant in disease. Therefore, it has been classified as a Variant of Uncertain Significance.